The following is an entry in ClinVar:

NM_003000.3(SDHB):c.50C>G (p.Thr17Ser)

Genes: SDHB (succinate dehydrogenase complex iron sulfur subunit B; minus strand), LOC129929542 (ATAC-STARR-seq lymphoblastoid active region 277; plus strand). Cytogenetic location: 1p36.13.
Variant type: single nucleotide variant.
Coding change: c.50C>G on transcript NM_003000.3 (MANE Select); coding-DNA position 50, C replaced by G.
Protein change: p.Thr17Ser; replaces threonine 17 with serine.
Molecular consequence: missense variant.
Genome position (GRCh38, 1-based): chr1:17,053,970, G>C on the plus strand (C>G on the coding strand, the complement: SDHB is on the minus strand). VCF-style: chr1-17053970-G-C. GRCh37 (hg19) VCF-style: chr1-17380465-G-C.
Other names: c.50C>G, p.Thr17Ser (NM_001407361.1); short protein forms T17S.
Identifiers: ClinVar variation 2119284 (VCV002119284.4), dbSNP rs138979875, ClinGen allele CA338230688.

ClinVar aggregate classification (germline): Uncertain significance (1 of 4 stars; one submission).

Conditions:
Pheochromocytoma. Also called: MAX-Related Hereditary Paraganglioma-Pheochromocytoma Syndrome. Identifiers: Orphanet 29072, MedGen C0031511, MONDO:0008233, OMIM 171300, HP:0002666.
Pheochromocytoma/paraganglioma syndrome 4. Also called: CAROTID BODY TUMORS AND MULTIPLE EXTRAADRENAL PHEOCHROMOCYTOMAS; SDHB-Related Hereditary Paraganglioma-Pheochromocytoma Syndrome (Paragangliomas 4); SDHB-Related Hereditary Paraganglioma-Pheochromocytoma Syndrome; PARAGANGLIOMA, FAMILIAL MALIGNANT; PARAGANGLIOMAS, HEREDITARY EXTRAADRENAL; PHEOCHROMOCYTOMA, FAMILIAL EXTRAADRENAL. Identifiers: Orphanet 29072, MedGen C1861848, MONDO:0007273, OMIM 115310.
Gastrointestinal stromal tumor. Also called: Gastrointestinal stroma tumor; Gastrointestinal stromal tumor, somatic. Identifiers: Orphanet 44890, MedGen C0238198, MeSH D046152, MONDO:0011719, OMIM 606764, HP:0100723.

Submission:

Labcorp Genetics (formerly Invitae), Labcorp
Classification: Uncertain significance for Gastrointestinal stromal tumor; Pheochromocytoma/paraganglioma syndrome 4; Pheochromocytoma. Last evaluated: 2022-03-29. Review status: criteria provided, single submitter. Criteria: Invitae Variant Classification Sherloc (09022015). Collection method: clinical testing. Allele origin: germline.
Comment: In summary, the available evidence is currently insufficient to determine the role of this variant in disease. Therefore, it has been classified as a Variant of Uncertain Significance. Advanced modeling of protein sequence and biophysical properties (such as structural, functional, and spatial information, amino acid conservation, physicochemical variation, residue mobility, and thermodynamic stability) performed at Invitae indicates that this missense variant is not expected to disrupt SDHB protein function. This variant has not been reported in the literature in individuals affected with SDHB-related conditions. This variant is not present in population databases (gnomAD no frequency). This sequence change replaces threonine, which is neutral and polar, with serine, which is neutral and polar, at codon 17 of the SDHB protein (p.Thr17Ser).